The following is an entry in ClinVar:

NM_020754.4(ARHGAP31):c.2285A>C (p.Lys762Thr)

Gene: ARHGAP31 (Rho GTPase activating protein 31; plus strand). Cytogenetic location: 3q13.33.
Variant type: single nucleotide variant.
Coding change: c.2285A>C on transcript NM_020754.4 (MANE Select); coding-DNA position 2285, A replaced by C.
Protein change: p.Lys762Thr; replaces lysine 762 with threonine.
Molecular consequence: missense variant.
Genome position (GRCh38, 1-based): chr3:119,414,214, A>C. VCF-style: chr3-119414214-A-C. GRCh37 (hg19) VCF-style: chr3-119133061-A-C.
Other names: short protein forms K762T.
Identifiers: ClinVar variation 723003 (VCV000723003.12), dbSNP rs201028277, ClinGen allele CA2553998.

ClinVar aggregate classification (germline): Likely benign. Review status: criteria provided, multiple submitters, no conflicts (2 of 4 stars). 3 submissions from 3 submitters: Likely benign (3). Last evaluated 2026-08-24.

Conditions:
ARHGAP31-related disorder. Also called: ARHGAP31-related condition.

Allele frequency attached by ClinVar (database versions not stated): gnomAD 0.00036; TOPMed 0.00053; 1000 Genomes Project 0.00060; 1000 Genomes Project 30x 0.00062; ESP Exome Variant Server 0.00090.
gnomAD v4.1: 201 of 1,614,216 alleles (0.012%); highest among the groups gnomAD compares: Middle Eastern, 0.13%; no homozygotes.

Submissions (3):

PreventionGenetics, part of Exact Sciences
Classification: Likely benign for ARHGAP31-related condition. Last evaluated: 2026-08-24. Review status: criteria provided, single submitter. Criteria: ACMG Guidelines, 2015. Collection method: clinical testing. Allele origin: germline.
Comment: This variant is classified as likely benign based on ACMG/AMP sequence variant interpretation guidelines (Richards et al. 2015 PMID: 25741868, with internal and published modifications).

Labcorp Genetics (formerly Invitae), Labcorp
Classification: Likely benign. Last evaluated: 2026-02-02. Review status: criteria provided, single submitter. Criteria: Invitae Variant Classification Sherloc (09022015). Collection method: clinical testing. Allele origin: germline.

Blueprint Genetics
Classification: Likely benign. Last evaluated: 2024-11-01. Review status: criteria provided, single submitter. Criteria: ACMG Guidelines, 2015. Collection method: clinical testing. Allele origin: germline.